The following is an entry in ClinVar:

ClinVar aggregate classification (germline): Benign/Likely benign. Review status: criteria provided, multiple submitters, no conflicts (2 of 4 stars). 18 submissions from 12 submitters: Benign (13); Likely benign (5). Last evaluated 2026-09-01.

Conditions:
Geleophysic dysplasia. Identifiers: Orphanet 2623, MedGen C3489726, MONDO:0000127.
Weill-Marchesani syndrome. Also called: WM Syndrome; Mesodermal dysmorphodystrophy congenital. Identifiers: Orphanet 3449, MedGen C0265313, MONDO:0018096.
Marfan syndrome (MFS). Also called: MARFAN SYNDROME, TYPE I; FBN1-Related Marfan Syndrome; Marfan syndrome type 1; Marfan's syndrome; Marfan syndrome, classic. Identifiers: Orphanet 284963, Orphanet 558, MedGen C0024796, MONDO:0007947, OMIM 154700.
Familial thoracic aortic aneurysm and aortic dissection (TAAD). Also called: Thoracic aortic aneurysms and dissections. Identifiers: Orphanet 91387, MedGen C4707243, MONDO:0019625.
Stiff skin syndrome (SSKS). Identifiers: Orphanet 2833, MedGen C1861456, MONDO:0008492, OMIM 184900.
Acromicric dysplasia (ACMICD). Also called: Acromicric skeletal dysplasia. Identifiers: Orphanet 969, MedGen C0265287, MONDO:0007055, OMIM 102370.
Ectopia lentis 1, isolated, autosomal dominant (ECTOL1). Identifiers: Orphanet 1885, MedGen C3541518, MONDO:0007514, OMIM 129600.
FBN1-related disorder. Also called: FBN1-related disorders.

Allele frequency attached by ClinVar (database versions not stated): gnomAD exomes 0.00026 and 0.00120; gnomAD 0.00043 and 0.00048; TOPMed 0.00056; ExAC 0.00084; 1000 Genomes Project 30x 0.00156; 1000 Genomes Project 0.00160.
gnomAD v4.1: 447 of 1,613,852 alleles (0.028%); highest among the groups gnomAD compares: Admixed American, 0.72%; 6 homozygotes.

Submissions (18):

CeGaT Center for Human Genetics Tuebingen
Classification: Likely benign. Last evaluated: 2026-09-01. Review status: criteria provided, single submitter. Criteria: CeGaT Center For Human Genetics Tuebingen Variant Classification Criteria Version 2. Collection method: clinical testing. Allele origin: germline. Affected: yes. Observed: 19 variant alleles.
Comment: FBN1: BS1

Labcorp Genetics (formerly Invitae), Labcorp
Classification: Benign for Marfan syndrome; Familial thoracic aortic aneurysm and aortic dissection. Last evaluated: 2026-02-03. Review status: criteria provided, single submitter. Criteria: Invitae Variant Classification Sherloc (09022015). Collection method: clinical testing. Allele origin: germline.

PreventionGenetics, part of Exact Sciences
Classification: Benign for FBN1-related condition. Last evaluated: 2025-01-22. Review status: criteria provided, single submitter. Criteria: ACMG Guidelines, 2015. Collection method: clinical testing. Allele origin: germline.
Comment: This variant is classified as benign based on ACMG/AMP sequence variant interpretation guidelines (Richards et al. 2015 PMID: 25741868, with internal and published modifications).

Blueprint Genetics
Classification: Likely benign. Last evaluated: 2024-11-06. Review status: criteria provided, single submitter. Criteria: ACMG Guidelines, 2015. Collection method: clinical testing. Allele origin: germline.

All of Us Research Program, National Institutes of Health
Classification: Benign for Marfan syndrome. Last evaluated: 2024-09-23. Review status: criteria provided, single submitter. Criteria: ACMG Guidelines, 2015. Collection method: clinical testing. Allele origin: germline. Inheritance: Autosomal dominant inheritance. Observed: 180 variant alleles, 179 heterozygotes, 1 homozygote.
Comment: This study involves interpretation of variants in research participants for the purpose of population health screening. Participant phenotype was not available at the time of variant classification. Additional details can be found in publication PMID: 35346344, PMCID: PMC8962531

ARUP Laboratories, Molecular Genetics and Genomics, ARUP Laboratories
Classification: Benign. Last evaluated: 2024-01-29. Review status: criteria provided, single submitter. Criteria: ARUP Molecular Germline Variant Investigation Process 2024. Collection method: clinical testing. Allele origin: germline.

Women's Health and Genetics/Laboratory Corporation of America, LabCorp
Classification: Likely benign. Last evaluated: 2020-10-19. Review status: criteria provided, single submitter. Criteria: LabCorp Variant Classification Summary - May 2015. Collection method: clinical testing. Allele origin: germline.
Comment: Variant summary: FBN1 c.3890A>G (p.Glu1297Gly) results in a non-conservative amino acid change located in the EGF-like domain (IPR000742) of the encoded protein sequence. Four of five in-silico tools predict a damaging effect of the variant on protein function. The variant allele was found at a frequency of 0.0012 in 251352 control chromosomes, predominantly at a frequency of 0.0085 within the Latino subpopulation in the gnomAD database, including 2 homozygotes. The observed variant frequency within Latino control individuals in the gnomAD database is approximately 75.6- fold the estimated maximal expected allele frequency for a pathogenic variant in FBN1 causing Aortopathy phenotype (0.00011), strongly suggesting that the variant is a benign polymorphism found primarily in populations of Latino origin. c.3890A>G has been reported in the literature in individuals affected with Marfan syndrome and single-suture craniosynostosis (e.g. Baudhuin_2015, Clarke_2018). These reports do not provide unequivocal conclusions about association of the variant with Aortopathy. To our knowledge, no experimental evidence demonstrating an impact on protein function has been reported. Six other clinical diagnostic laboratories have submitted clinical-significance assessments for this variant to ClinVar after 2014 without evidence for independent evaluation. They have cited the variant as uncertain significance (n=1) and benign/likely benign (n=5). Based on the evidence outlined above, the variant was classified as likely benign.

Ambry Genetics
Classification: Benign for Familial thoracic aortic aneurysm and aortic dissection. Last evaluated: 2018-08-22. Review status: criteria provided, single submitter. Criteria: Ambry Variant Classification Scheme 2023. Collection method: clinical testing. Allele origin: germline.

Color Diagnostics, LLC DBA Color Health
Classification: Benign for Familial thoracic aortic aneurysm and aortic dissection. Last evaluated: 2018-03-16. Review status: criteria provided, single submitter. Criteria: ACMG Guidelines, 2015. Collection method: clinical testing. Allele origin: germline.

GeneDx
Classification: Benign. Last evaluated: 2018-01-30. Review status: criteria provided, single submitter. Criteria: GeneDx Variant Classification Process June 2021. Collection method: clinical testing. Allele origin: germline. Affected: yes.
Comment: This variant is associated with the following publications: (PMID: 32499652, 25652356)

Illumina Laboratory Services, Illumina
Classification: Benign for Acromicric dysplasia. Last evaluated: 2018-01-13. Review status: criteria provided, single submitter. Criteria: ICSL Variant Classification Criteria 13 December 2019. Collection method: clinical testing. Allele origin: germline.
Comment: This variant was observed in the ICSL laboratory as part of a predisposition screen in an ostensibly healthy population. It had not been previously curated by ICSL or reported in the Human Gene Mutation Database (HGMD: prior to June 1st, 2018), and was therefore a candidate for classification through an automated scoring system. Utilizing variant allele frequency, disease prevalence and penetrance estimates, and inheritance mode, an automated score was calculated to assess if this variant is too frequent to cause the disease. Based on the score and internal cut-off values, a variant classified as benign is not then subjected to further curation. The score for this variant resulted in a classification of benign for this disease.

Illumina Laboratory Services, Illumina
Classification: Benign for Weill-Marchesani syndrome. Last evaluated: 2018-01-13. Review status: criteria provided, single submitter. Criteria: ICSL Variant Classification Criteria 13 December 2019. Collection method: clinical testing. Allele origin: germline.
Comment: the same text as in the submission from Illumina Laboratory Services, Illumina above.

Illumina Laboratory Services, Illumina
Classification: Benign for Stiff skin syndrome. Last evaluated: 2018-01-13. Review status: criteria provided, single submitter. Criteria: ICSL Variant Classification Criteria 13 December 2019. Collection method: clinical testing. Allele origin: germline.
Comment: the same text as in the submission from Illumina Laboratory Services, Illumina above.

Illumina Laboratory Services, Illumina
Classification: Benign for Geleophysic dysplasia. Last evaluated: 2018-01-13. Review status: criteria provided, single submitter. Criteria: ICSL Variant Classification Criteria 13 December 2019. Collection method: clinical testing. Allele origin: germline.
Comment: the same text as in the submission from Illumina Laboratory Services, Illumina above.

Illumina Laboratory Services, Illumina
Classification: Likely benign for Familial thoracic aortic aneurysm and aortic dissection. Last evaluated: 2018-01-13. Review status: criteria provided, single submitter. Criteria: ICSL Variant Classification Criteria 13 December 2019. Collection method: clinical testing. Allele origin: germline.
Comment: This variant was observed in the ICSL laboratory as part of a predisposition screen in an ostensibly healthy population. It had not been previously curated by ICSL or reported in the Human Gene Mutation Database (HGMD: prior to June 1st, 2018), and was therefore a candidate for classification through an automated scoring system. Utilizing variant allele frequency, disease prevalence and penetrance estimates, and inheritance mode, an automated score was calculated to assess if this variant is too frequent to cause the disease. Based on the score and internal cut-off values, a variant classified as likely benign is not then subjected to further curation. The score for this variant resulted in a classification of likely benign for this disease.

Illumina Laboratory Services, Illumina
Classification: Benign for Ectopia lentis 1, isolated, autosomal dominant. Last evaluated: 2018-01-13. Review status: criteria provided, single submitter. Criteria: ICSL Variant Classification Criteria 13 December 2019. Collection method: clinical testing. Allele origin: germline.
Comment: the same text as in the submission from Illumina Laboratory Services, Illumina above.

Illumina Laboratory Services, Illumina
Classification: Benign for Marfan syndrome. Last evaluated: 2018-01-13. Review status: criteria provided, single submitter. Criteria: ICSL Variant Classification Criteria 13 December 2019. Collection method: clinical testing. Allele origin: germline.
Comment: the same text as in the submission from Illumina Laboratory Services, Illumina above.

Breakthrough Genomics
Classification: Likely benign. Review status: criteria provided, single submitter. Criteria: ACMG Guidelines, 2015. Collection method: not provided. Allele origin: germline. Inheritance: Autosomal dominant inheritance. Affected: yes.

Literature cited by the submitters: PubMed 25652356 (cited by Women's Health and Genetics/Laboratory Corporation of America, LabCorp); PubMed 29168297 (cited by Women's Health and Genetics/Laboratory Corporation of America, LabCorp); PubMed 31506931 (cited by Women's Health and Genetics/Laboratory Corporation of America, LabCorp).

NM_000138.5(FBN1):c.3890A>G (p.Glu1297Gly)

Gene: FBN1 (fibrillin 1; minus strand). Cytogenetic location: 15q21.1.
Variant type: single nucleotide variant.
Coding change: c.3890A>G on transcript NM_000138.5 (MANE Select); coding-DNA position 3890, A replaced by G.
Protein change: p.Glu1297Gly; replaces glutamic acid 1297 with glycine.
Molecular consequence: missense variant.
Genome position (GRCh38, 1-based): chr15:48,481,729, T>C on the plus strand (A>G on the coding strand, the complement: FBN1 is on the minus strand). VCF-style: chr15-48481729-T-C. GRCh37 (hg19) VCF-style: chr15-48773926-T-C.
Other names: p.E1297G:GAA>GGA; short protein forms E1297G.
Identifiers: ClinVar variation 200027 (VCV000200027.37), dbSNP rs200342067, ClinGen allele CA014626.